The following is an entry in ClinVar:

NM_003743.5(NCOA1):c.2517G>A (p.Ala839=)

Gene: NCOA1 (nuclear receptor coactivator 1; plus strand). Cytogenetic location: 2p23.3.
Variant type: single nucleotide variant.
Coding change: c.2517G>A on transcript NM_003743.5 (MANE Select); coding-DNA position 2517, G replaced by A.
Protein change: p.Ala839=; no amino-acid change (alanine 839 retained).
Molecular consequence: synonymous variant.
Genome position (GRCh38, 1-based): chr2:24,711,029, G>A. VCF-style: chr2-24711029-G-A. GRCh37 (hg19) VCF-style: chr2-24933898-G-A.
Other names: c.2517G>A, p.Ala839= (NM_001362950.1, NM_001362952.1, NM_001362954.1 and 3 more transcripts).
Identifiers: ClinVar variation 3052485 (VCV003052485.2), dbSNP rs757335592, ClinGen allele CA1552417.

ClinVar aggregate classification (germline): Likely benign (0 of 4 stars; one submission).

Conditions:
NCOA1-related disorder. Also called: NCOA1-related condition.

Allele frequency attached by ClinVar (database versions not stated): gnomAD 0.00002; TOPMed 0.00002; ExAC 0.00005; gnomAD exomes 0.00007.
gnomAD v4.1: 102 of 1,614,010 alleles (0.0063%); highest among the groups gnomAD compares: Non-Finnish European, 0.0083%; no homozygotes.

Submission:

PreventionGenetics, part of Exact Sciences
Classification: Likely benign for NCOA1-related condition. Last evaluated: 2019-08-27. Review status: no assertion criteria provided. Collection method: clinical testing. Allele origin: germline.
Comment: This variant is classified as likely benign based on ACMG/AMP sequence variant interpretation guidelines (Richards et al. 2015 PMID: 25741868, with internal and published modifications).